The following is an entry in ClinVar:

ClinVar aggregate classification (germline): Conflicting classifications of pathogenicity. Review status: criteria provided, conflicting classifications (1 of 4 stars). 7 submissions from 7 submitters: Uncertain significance (5); Likely benign (2). Last evaluated 2025-01-17.

Conditions:
Hereditary cancer-predisposing syndrome. Also called: Tumor predisposition; Neoplastic Syndromes, Hereditary; Hereditary neoplastic syndrome; Hereditary Cancer Syndrome. Identifiers: Orphanet 140162, MedGen C0027672, MeSH D009386, MONDO:0015356.
BRCA2-related cancer predisposition. Identifiers: MedGen CN377758, MONDO:0700269.
Breast-ovarian cancer, familial, susceptibility to, 2 (BROVCA2). Also called: BRCA2 Hereditary Breast and Ovarian Cancer. Identifiers: Orphanet 145, MedGen C2675520, MONDO:0012933, OMIM 612555. Disease mechanism: loss of function.
Hereditary breast ovarian cancer syndrome. Also called: Hereditary breast and/or ovarian cancer syndrome; Hereditary breast and ovarian cancer syndrome (HBOC); Breast and ovarian cancer; Hereditary breast and ovarian cancer; BRCA1- and BRCA2-Associated Hereditary Breast and Ovarian Cancer; Hereditary breast and ovarian cancer syndrome. Identifiers: Orphanet 145, MedGen C0677776, MeSH D061325, MONDO:0003582. Disease mechanism: loss of function.

gnomAD v4.1: 1 of 1,614,072 alleles (0.000062%); highest among the groups gnomAD compares: Non-Finnish European, 0.000085%; no homozygotes.

Submissions (7):

Labcorp Genetics (formerly Invitae), Labcorp
Classification: Uncertain significance for Hereditary breast ovarian cancer syndrome. Last evaluated: 2025-01-17. Review status: criteria provided, single submitter. Criteria: Invitae Variant Classification Sherloc (09022015). Collection method: clinical testing. Allele origin: germline.
Comment: This sequence change replaces glutamic acid, which is acidic and polar, with valine, which is neutral and non-polar, at codon 1146 of the BRCA2 protein (p.Glu1146Val). This variant is not present in population databases (gnomAD no frequency). This variant has not been reported in the literature in individuals affected with BRCA2-related conditions. ClinVar contains an entry for this variant (Variation ID: 225741). Invitae Evidence Modeling of protein sequence and biophysical properties (such as structural, functional, and spatial information, amino acid conservation, physicochemical variation, residue mobility, and thermodynamic stability) indicates that this missense variant is not expected to disrupt BRCA2 protein function with a negative predictive value of 95%. In summary, the available evidence is currently insufficient to determine the role of this variant in disease. Therefore, it has been classified as a Variant of Uncertain Significance.

All of Us Research Program, National Institutes of Health
Classification: Uncertain significance for BRCA2-related cancer predisposition. Last evaluated: 2024-08-06. Review status: criteria provided, single submitter. Criteria: ACMG Guidelines, 2015. Collection method: clinical testing. Allele origin: germline. Inheritance: Autosomal dominant inheritance. Observed: 1 variant allele, 1 heterozygote.
Comment: This study involves interpretation of variants in research participants for the purpose of population health screening. Participant phenotype was not available at the time of variant classification. Additional details can be found in publication PMID: 35346344, PMCID: PMC8962531

Ambry Genetics
Classification: Likely benign for Hereditary cancer-predisposing syndrome. Last evaluated: 2024-06-20. Review status: criteria provided, single submitter. Criteria: Ambry Variant Classification Scheme 2023. Collection method: clinical testing. Allele origin: germline.

University of Washington Department of Laboratory Medicine, University of Washington
Classification: Likely benign for Hereditary cancer-predisposing syndrome. Last evaluated: 2023-03-23. Review status: criteria provided, single submitter. Criteria: Dines et al. (Genet Med. 2020). Collection method: curation. Allele origin: germline.
Comment: Missense variant in a coldspot region where missense variants are very unlikely to be pathogenic (PMID:31911673).

BRCA2 exon 11 coldspot. Reclassification based on statistical prior probability.

GeneDx
Classification: Uncertain significance. Last evaluated: 2022-05-08. Review status: criteria provided, single submitter. Criteria: GeneDx Variant Classification Process June 2021. Collection method: clinical testing. Allele origin: germline. Affected: yes.
Comment: Not observed at significant frequency in large population cohorts (gnomAD); In silico analysis supports that this missense variant has a deleterious effect on protein structure/function; Has not been previously published as pathogenic or benign to our knowledge; Also known as 3665A>T; This variant is associated with the following publications: (PMID: 31131967)

Color Diagnostics, LLC DBA Color Health
Classification: Uncertain significance for Hereditary cancer-predisposing syndrome. Last evaluated: 2019-01-09. Review status: criteria provided, single submitter. Criteria: ACMG Guidelines, 2015. Collection method: clinical testing. Allele origin: germline.

Molecular Genetics Laboratory, University of Michigan
Classification: Uncertain significance for Breast-ovarian cancer, familial, susceptibility to, 2. Last evaluated: 2016-04-21. Review status: criteria provided, single submitter. Criteria: ACMG Guidelines, 2015. Collection method: clinical testing. Allele origin: germline. Affected: yes.

NM_000059.4(BRCA2):c.3437A>T (p.Glu1146Val)

Gene: BRCA2 (BRCA2 DNA repair associated; plus strand). Cytogenetic location: 13q13.1.
Variant type: single nucleotide variant.
Coding change: c.3437A>T on transcript NM_000059.4 (MANE Select); coding-DNA position 3437, A replaced by T.
Protein change: p.Glu1146Val; replaces glutamic acid 1146 with valine.
Molecular consequence: missense variant.
Genome position (GRCh38, 1-based): chr13:32,337,792, A>T. VCF-style: chr13-32337792-A-T. GRCh37 (hg19) VCF-style: chr13-32911929-A-T.
Other names: short protein forms E1146V.
Identifiers: ClinVar variation 225741 (VCV000225741.21), dbSNP rs80358588, ClinGen allele CA10576065.
Genomic context (GRCh38, chr13:32,337,792, plus strand): 5'-AATTTACTCAGTTTAGAAAACCAAGCTACATATTGCAGAAGAGTACATTTGAAGTGCCTG[A>T]AAACCAGATGACTATCTTAAAGACCACTTCTGAGGAATGCAGAGATGCTGATCTTCATGT-3'
Protein context (NP_000050.3, residues 1136-1156): ILQKSTFEVP[Glu1146Val]NQMTILKTTS